The following is an entry in ClinVar:

NM_001127208.3(TET2):c.136C>T (p.Pro46Ser)

Genes: TET2 (tet methylcytosine dioxygenase 2; plus strand), TET2-AS1 (TET2 antisense RNA 1; minus strand). Cytogenetic location: 4q24.
Variant type: single nucleotide variant.
Coding change: c.136C>T on transcript NM_001127208.3 (MANE Select); coding-DNA position 136, C replaced by T.
Protein change: p.Pro46Ser; replaces proline 46 with serine.
Molecular consequence: missense variant.
Genome position (GRCh38, 1-based): chr4:105,234,078, C>T. VCF-style: chr4-105234078-C-T. GRCh37 (hg19) VCF-style: chr4-106155235-C-T.
Other names: c.136C>T, p.Pro46Ser (NM_017628.4); short protein forms P46S.
Identifiers: ClinVar variation 3805921 (VCV003805921.1).
Genomic context (GRCh38, chr4:105,234,078, plus strand): 5'-CAGACAGAACCTCTGGCTACAAAGCTCCAGAATGGAAGCCCACTGCCTGAGAGAGCTCAT[C>T]CAGAAGTAAATGGAGACACCAAGTGGCACTCTTTCAAAAGTTATTATGGAATACCCTGTA-3'
Protein context (NP_001120680.1, residues 36-56): NGSPLPERAH[Pro46Ser]EVNGDTKWHS

ClinVar aggregate classification (germline): Uncertain significance (1 of 4 stars; one submission).

gnomAD v4.1: 1 of 1,614,016 alleles (0.000062%); highest among the groups gnomAD compares: Non-Finnish European, 0.000085%; no homozygotes.

Submission:

Ambry Genetics
Classification: Uncertain significance. Last evaluated: 2025-01-02. Review status: criteria provided, single submitter. Criteria: Ambry Variant Classification Scheme 2023. Collection method: clinical testing. Allele origin: germline.
Comment: The p.P46S variant (also known as c.136C>T), located in coding exon 1 of the TET2 gene, results from a C to T substitution at nucleotide position 136. The proline at codon 46 is replaced by serine, an amino acid with similar properties. This amino acid position is conserved. In addition, this alteration is predicted to be tolerated by in silico analysis. Based on the available evidence, the clinical significance of this variant remains unclear.